The following is an entry in ClinVar:

ClinVar aggregate classification (germline): Likely benign. Review status: criteria provided, multiple submitters, no conflicts (2 of 4 stars). 7 submissions from 7 submitters: Likely benign (7). Last evaluated 2026-05-01.

Conditions:
Aortic aneurysm, familial thoracic 7 (AAT7). Also called: AORTIC DISSECTION, FAMILIAL, WITH OR WITHOUT AORTIC ANEURYSM. Identifiers: MedGen C3151077, MONDO:0013418, OMIM 613780.
Megacystis-microcolon-intestinal hypoperistalsis syndrome 1. Identifiers: MedGen C5542316, MONDO:0100354, OMIM 249210.
Familial thoracic aortic aneurysm and aortic dissection (TAAD). Also called: Thoracic aortic aneurysms and dissections. Identifiers: Orphanet 91387, MedGen C4707243, MONDO:0019625.

Allele frequency attached by ClinVar (database versions not stated): TOPMed below 0.00001; ExAC 0.00001; gnomAD exomes 0.00002 and 0.00003.
gnomAD v4.1: 30 of 1,614,172 alleles (0.0019%); highest among the groups gnomAD compares: Non-Finnish European, 0.0024%; no homozygotes.

Submissions (7):

CeGaT Center for Human Genetics Tuebingen
Classification: Likely benign. Last evaluated: 2026-05-01. Review status: criteria provided, single submitter. Criteria: CeGaT Center For Human Genetics Tuebingen Variant Classification Criteria Version 2. Collection method: clinical testing. Allele origin: germline. Affected: yes. Observed: 1 variant allele.
Comment: MYLK: BP4

Labcorp Genetics (formerly Invitae), Labcorp
Classification: Likely benign for Aortic aneurysm, familial thoracic 7. Last evaluated: 2025-12-09. Review status: criteria provided, single submitter. Criteria: Invitae Variant Classification Sherloc (09022015). Collection method: clinical testing. Allele origin: germline.

Women's Health and Genetics/Laboratory Corporation of America, LabCorp
Classification: Likely benign. Last evaluated: 2025-09-14. Review status: criteria provided, single submitter. Criteria: LabCorp Variant Classification Summary - May 2015. Collection method: clinical testing. Allele origin: germline.

Blueprint Genetics
Classification: Likely benign. Last evaluated: 2023-12-07. Review status: criteria provided, single submitter. Criteria: ACMG Guidelines, 2015. Collection method: clinical testing. Allele origin: germline.

Ambry Genetics
Classification: Likely benign for Familial thoracic aortic aneurysm and aortic dissection. Last evaluated: 2022-12-01. Review status: criteria provided, single submitter. Criteria: Ambry Variant Classification Scheme 2023. Collection method: clinical testing. Allele origin: germline.

Fulgent Genetics
Classification: Likely benign for Megacystis-microcolon-intestinal hypoperistalsis syndrome 1; Aortic aneurysm, familial thoracic 7. Last evaluated: 2021-10-19. Review status: criteria provided, single submitter. Criteria: ACMG Guidelines, 2015. Collection method: clinical testing. Allele origin: unknown.

GeneDx
Classification: Likely benign. Last evaluated: 2018-02-22. Review status: criteria provided, single submitter. Criteria: GeneDx Variant Classification (06012015). Collection method: clinical testing. Allele origin: germline. Affected: yes.
Comment: This variant is considered likely benign or benign based on one or more of the following criteria: it is a conservative change, it occurs at a poorly conserved position in the protein, it is predicted to be benign by multiple in silico algorithms, and/or has population frequency not consistent with disease.

NM_053025.4(MYLK):c.4221C>A (p.Ile1407=)

Gene: MYLK (myosin light chain kinase; minus strand). Cytogenetic location: 3q21.1.
Variant type: single nucleotide variant.
Coding change: c.4221C>A on transcript NM_053025.4 (MANE Select); coding-DNA position 4221, C replaced by A.
Protein change: p.Ile1407=; no amino-acid change (isoleucine 1407 retained).
Molecular consequence: synonymous variant.
Genome position (GRCh38, 1-based): chr3:123,657,193, G>T on the plus strand (C>A on the coding strand, the complement: MYLK is on the minus strand). VCF-style: chr3-123657193-G-T. GRCh37 (hg19) VCF-style: chr3-123376040-G-T.
Other names: c.3693C>A, p.Ile1231= (NM_001321309.2); c.4014C>A, p.Ile1338= (NM_053026.4, NM_053028.4); c.4221C>A, p.Ile1407= (NM_053027.4).
Identifiers: ClinVar variation 415768 (VCV000415768.18), dbSNP rs780641277, ClinGen allele CA071099.
Genomic context (GRCh38, chr3:123,657,193, plus strand): 5'-TTTCTCTCCTACCGTTGTGAGTTCAGACTCCTGGCTTGGCTCACTGGTTCCATACACGTT[G>T]ATTGCACGTACACGGAACTTATATTCGTGGTCAGGCAGCAGGTCCTGGACGTTGAAAGAG-3'
Protein context (NP_444253.3, residues 1397-1417): DHEYKFRVRA[Ile1407=]NVYGTSEPSQ